The following is an entry in ClinVar:

ClinVar aggregate classification (germline): Uncertain significance. Review status: criteria provided, multiple submitters, no conflicts (2 of 4 stars). 2 submissions from 2 submitters: Uncertain significance (2). Last evaluated 2024-02-11.

Conditions:
Cardiovascular phenotype. Identifiers: MedGen CN230736.
Hereditary cancer-predisposing syndrome. Also called: Neoplastic Syndromes, Hereditary; Tumor predisposition; Hereditary Cancer Syndrome; Hereditary neoplastic syndrome. Identifiers: Orphanet 140162, MedGen C0027672, MeSH D009386, MONDO:0015356.
Neurofibromatosis, type 1 (NF1). Also called: VON RECKLINGHAUSEN DISEASE; NEUROFIBROMATOSIS, TYPE I, SOMATIC; Neurofibromatosis, type I; Peripheral type neurofibromatosis. Identifiers: Orphanet 636, MedGen C0027831, MONDO:0018975, OMIM 162200. Disease mechanism: loss of function.

Submissions (2):

Labcorp Genetics (formerly Invitae), Labcorp
Classification: Uncertain significance for Neurofibromatosis, type 1. Last evaluated: 2024-02-11. Review status: criteria provided, single submitter. Criteria: Invitae Variant Classification Sherloc (09022015). Collection method: clinical testing. Allele origin: germline.
Comment: This sequence change replaces lysine, which is basic and polar, with glutamic acid, which is acidic and polar, at codon 1683 of the NF1 protein (p.Lys1683Glu). This variant is not present in population databases (gnomAD no frequency). This variant has not been reported in the literature in individuals affected with NF1-related conditions. ClinVar contains an entry for this variant (Variation ID: 1744980). Advanced modeling of protein sequence and biophysical properties (such as structural, functional, and spatial information, amino acid conservation, physicochemical variation, residue mobility, and thermodynamic stability) performed at Invitae indicates that this missense variant is expected to disrupt NF1 protein function with a positive predictive value of 95%. In summary, the available evidence is currently insufficient to determine the role of this variant in disease. Therefore, it has been classified as a Variant of Uncertain Significance.

Ambry Genetics
Classification: Uncertain significance for Cardiovascular phenotype; Hereditary cancer-predisposing syndrome. Last evaluated: 2021-09-27. Review status: criteria provided, single submitter. Criteria: Ambry Variant Classification Scheme 2023. Collection method: clinical testing. Allele origin: germline.
Comment: The p.K1683E variant (also known as c.5047A>G), located in coding exon 36 of the NF1 gene, results from an A to G substitution at nucleotide position 5047. The lysine at codon 1683 is replaced by glutamic acid, an amino acid with similar properties. This amino acid position is highly conserved in available vertebrate species. In addition, this alteration is predicted to be deleterious by in silico analysis. Since supporting evidence is limited at this time, the clinical significance of this alteration remains unclear.

NM_001042492.3(NF1):c.5110A>G (p.Lys1704Glu)

Gene: NF1 (neurofibromin 1; plus strand). Cytogenetic location: 17q11.2.
Variant type: single nucleotide variant.
Coding change: c.5110A>G on transcript NM_001042492.3 (MANE Select); coding-DNA position 5110, A replaced by G.
Protein change: p.Lys1704Glu; replaces lysine 1704 with glutamic acid.
Molecular consequence: missense variant.
Genome position (GRCh38, 1-based): chr17:31,326,094, A>G. VCF-style: chr17-31326094-A-G. GRCh37 (hg19) VCF-style: chr17-29653112-A-G.
Other names: c.5047A>G, p.Lys1683Glu (NM_000267.4); short protein forms K1704E, K1683E.
Identifiers: ClinVar variation 1744980 (VCV001744980.5), dbSNP rs2151538518, ClinGen allele CA399007642.
Genomic context (GRCh38, chr17:31,326,094, plus strand): 5'-TCCTGGGTCAGGGAGTACACCAAGTATCATGAGCGGCTGCTGACTGGCCTCAAAGGTAGC[A>G]AAAGGCTTGTTTTCATAGACTGTCCTGGGAAACTGGCTGAGCACATAGAGCATGAACAAC-3'
Protein context (NP_001035957.1, residues 1694-1714): ERLLTGLKGS[Lys1704Glu]RLVFIDCPGK